The following is an entry in ClinVar:

NM_014915.3(ANKRD26):c.1225G>A (p.Gly409Arg)

Gene: ANKRD26 (ankyrin repeat domain 26; minus strand). Cytogenetic location: 10p12.1.
Variant type: single nucleotide variant.
Coding change: c.1225G>A on transcript NM_014915.3 (MANE Select); coding-DNA position 1225, G replaced by A.
Protein change: p.Gly409Arg; replaces glycine 409 with arginine.
Molecular consequence: missense variant.
Genome position (GRCh38, 1-based): chr10:27,066,531, C>T on the plus strand (G>A on the coding strand, the complement: ANKRD26 is on the minus strand). VCF-style: chr10-27066531-C-T. GRCh37 (hg19) VCF-style: chr10-27355460-C-T.
Other names: c.1225G>A, p.Gly409Arg (NM_001256053.2); short protein forms G409R.
Identifiers: ClinVar variation 4578676 (VCV004578676.1).
Genomic context (GRCh38, chr10:27,066,531, plus strand): 5'-CAACCATAGAAAGTACCTCAGAATCCCAAGGTGATTCTATATCTTCCTCTTGTCCTAATC[C>T]TAATGCGGACATCATATCTATCAAATGTGATACACAGATATATTCATGAGAACATTTACT-3'
Protein context (NP_055730.2, residues 399-419): NNRSDMMSAL[Gly409Arg]LGQEEDIESP

ClinVar aggregate classification (germline): Uncertain significance (1 of 4 stars; one submission).

Conditions:
Inborn genetic diseases. Identifiers: MedGen C0950123, MeSH D030342.

gnomAD v4.1: 2 of 1,599,664 alleles (0.00013%); highest among the groups gnomAD compares: African/African-American, 0.0027%; no homozygotes.

Submission:

Ambry Genetics
Classification: Uncertain significance for Inborn genetic diseases. Last evaluated: 2025-11-28. Review status: criteria provided, single submitter. Criteria: Ambry Variant Classification Scheme 2023. Collection method: clinical testing. Allele origin: germline.
Comment: The p.G409R variant (also known as c.1225G>A), located in coding exon 11 of the ANKRD26 gene, results from a G to A substitution at nucleotide position 1225. The glycine at codon 409 is replaced by arginine, an amino acid with dissimilar properties. This amino acid position is conserved. In addition, this alteration is predicted to be tolerated by in silico analysis. Based on the available evidence, the clinical significance of this variant remains unclear.